The following is an entry in ClinVar:

NM_000320.3(QDPR):c.227G>A (p.Gly76Asp)

Gene: QDPR (quinoid dihydropteridine reductase; minus strand). Cytogenetic location: 4p15.32.
Variant type: single nucleotide variant.
Coding change: c.227G>A on transcript NM_000320.3 (MANE Select); coding-DNA position 227, G replaced by A.
Protein change: p.Gly76Asp; replaces glycine 76 with aspartic acid.
Molecular consequence: missense variant. On other transcripts: non-coding transcript variant (1).
Genome position (GRCh38, 1-based): chr4:17,504,447, C>T on the plus strand (G>A on the coding strand, the complement: QDPR is on the minus strand). VCF-style: chr4-17504447-C-T. GRCh37 (hg19) VCF-style: chr4-17506070-C-T.
Other names: c.134G>A, p.Gly45Asp (NM_001306140.2); short protein forms G76D, G45D.
Identifiers: ClinVar variation 1469725 (VCV001469725.7), dbSNP rs2108994422, ClinGen allele CA356450525.

ClinVar aggregate classification (germline): Uncertain significance (1 of 4 stars; one submission).

Conditions:
Dihydropteridine reductase deficiency (HPABH4C). Also called: DHPR DEFICIENCY; BH4-Deficient Hyperphenylalaninemia C; Hyperphenylalaninemia due to dihydropteridine reductase deficiency; Hyperphenylalaninemia, BH-4-deficient, C; Phenylketonuria type 2; HYPERPHENYLALANINEMIA, TETRAHYDROBIOPTERIN-DEFICIENT, DUE TO DHPR DEFICIENCY. Identifiers: Orphanet 226, Orphanet 238583, MedGen C0268465, MONDO:0009862, OMIM 261630.

Allele frequency attached by ClinVar (database versions not stated): gnomAD exomes below 0.00001.
gnomAD v4.1: 2 of 1,614,222 alleles (0.00012%); highest among the groups gnomAD compares: Non-Finnish European, 0.00017%; no homozygotes.

Submission:

Labcorp Genetics (formerly Invitae), Labcorp
Classification: Uncertain significance for Dihydropteridine reductase deficiency. Last evaluated: 2024-02-23. Review status: criteria provided, single submitter. Criteria: Invitae Variant Classification Sherloc (09022015). Collection method: clinical testing. Allele origin: germline.
Comment: This sequence change replaces glycine, which is neutral and non-polar, with aspartic acid, which is acidic and polar, at codon 76 of the QDPR protein (p.Gly76Asp). This variant is not present in population databases (gnomAD no frequency). This variant has not been reported in the literature in individuals affected with QDPR-related conditions. ClinVar contains an entry for this variant (Variation ID: 1469725). An algorithm developed to predict the effect of missense changes on protein structure and function (PolyPhen-2) suggests that this variant is likely to be disruptive. In summary, the available evidence is currently insufficient to determine the role of this variant in disease. Therefore, it has been classified as a Variant of Uncertain Significance.